The following is an entry in ClinVar:

NM_030782.5(CLPTM1L):c.303T>C (p.Asn101=)

Gene: CLPTM1L (CLPTM1 like). Cytogenetic location: 5p15.33.
Variant type: single nucleotide variant.
Coding change: c.303T>C on transcript NM_030782.5 (MANE Select); coding-DNA position 303, T replaced by C.
Protein change: p.Asn101=; no amino-acid change (asparagine 101 retained).
Molecular consequence: synonymous variant.
Genome position (GRCh38, 1-based): chr5:1,341,821, A>G on the plus strand (T>C on the coding strand, the complement: CLPTM1L is on the minus strand). VCF-style: chr5-1341821-A-G. GRCh37 (hg19) VCF-style: chr5-1341936-A-G.
Identifiers: ClinVar variation 3045764 (VCV003045764.2), dbSNP rs142160762, ClinGen allele CA3185684.

ClinVar aggregate classification (germline): Likely benign (0 of 4 stars; one submission).

Conditions:
CLPTM1L-related disorder. Also called: CLPTM1L-related condition.

Allele frequency attached by ClinVar (database versions not stated): TOPMed 0.00002; gnomAD 0.00003; gnomAD exomes 0.00004; ExAC 0.00006; ESP Exome Variant Server 0.00008.
gnomAD v4.1: 69 of 1,613,930 alleles (0.0043%); highest among the groups gnomAD compares: South Asian, 0.016%; no homozygotes.

Submission:

PreventionGenetics, part of Exact Sciences
Classification: Likely benign for CLPTM1L-related condition. Last evaluated: 2023-02-13. Review status: no assertion criteria provided. Collection method: clinical testing. Allele origin: germline.
Comment: This variant is classified as likely benign based on ACMG/AMP sequence variant interpretation guidelines (Richards et al. 2015 PMID: 25741868, with internal and published modifications).